The following is an entry in ClinVar:

ClinVar aggregate classification (germline): Pathogenic (1 of 4 stars; one submission).

Conditions:
Fanconi anemia (FA). Also called: Fanconi's anemia. Identifiers: Orphanet 84, MedGen C0015625, MeSH D005199, MONDO:0019391.

Submission:

Labcorp Genetics (formerly Invitae), Labcorp
Classification: Pathogenic for Fanconi anemia. Last evaluated: 2025-12-01. Review status: criteria provided, single submitter. Criteria: Invitae Variant Classification Sherloc (09022015). Collection method: clinical testing. Allele origin: germline.
Comment: This sequence change creates a premature translational stop signal (p.Gln497*) in the FANCI gene. It is expected to result in an absent or disrupted protein product. Loss-of-function variants in FANCI are known to be pathogenic (PMID: 17452773, 17460694). This variant is not present in population databases (gnomAD no frequency). This variant has not been reported in the literature in individuals affected with FANCI-related conditions. For these reasons, this variant has been classified as Pathogenic.

Literature cited by the submitters: PubMed 17452773; PubMed 17460694.

NM_001113378.2(FANCI):c.1489C>T (p.Gln497Ter)

Gene: FANCI (FA complementation group I; plus strand). Cytogenetic location: 15q26.1.
Variant type: single nucleotide variant.
Coding change: c.1489C>T on transcript NM_001113378.2 (MANE Select); coding-DNA position 1489, C replaced by T.
Protein change: p.Gln497Ter; replaces glutamine 497 with a stop codon.
Molecular consequence: nonsense.
Genome position (GRCh38, 1-based): chr15:89,281,277, C>T. VCF-style: chr15-89281277-C-T. GRCh37 (hg19) VCF-style: chr15-89824508-C-T.
Other names: c.1210C>T, p.Gln404Ter (NM_001376910.1); c.1489C>T, p.Gln497Ter (NM_001376911.1, NM_018193.3); short protein forms Q497*, Q404*.
Identifiers: ClinVar variation 4732250 (VCV004732250.1).